The following is an entry in ClinVar:

NM_005475.3(SH2B3):c.562G>T (p.Ala188Ser)

Gene: SH2B3 (SH2B adaptor protein 3; plus strand). Cytogenetic location: 12q24.12.
Variant type: single nucleotide variant.
Coding change: c.562G>T on transcript NM_005475.3 (MANE Select); coding-DNA position 562, G replaced by T.
Protein change: p.Ala188Ser; replaces alanine 188 with serine.
Molecular consequence: missense variant.
Genome position (GRCh38, 1-based): chr12:111,418,707, G>T. VCF-style: chr12-111418707-G-T. GRCh37 (hg19) VCF-style: chr12-111856511-G-T.
Other names: short protein forms A188S.
Identifiers: ClinVar variation 3440807 (VCV003440807.1).

ClinVar aggregate classification (germline): Uncertain significance (1 of 4 stars; one submission).

Conditions:
Inborn genetic diseases. Identifiers: MedGen C0950123, MeSH D030342.

Submission:

Ambry Genetics
Classification: Uncertain significance for Inborn genetic diseases. Last evaluated: 2024-11-28. Review status: criteria provided, single submitter. Criteria: Ambry Variant Classification Scheme 2023. Collection method: clinical testing. Allele origin: germline.
Comment: The p.A188S variant (also known as c.562G>T), located in coding exon 1 of the SH2B3 gene, results from a G to T substitution at nucleotide position 562. The alanine at codon 188 is replaced by serine, an amino acid with similar properties. This amino acid position is conserved. In addition, this alteration is predicted to be tolerated by in silico analysis. Based on the available evidence, the clinical significance of this variant remains unclear.